The following is an entry in ClinVar:

NM_001145809.2(MYH14):c.4741G>A (p.Val1581Ile)

Gene: MYH14 (myosin heavy chain 14; plus strand). Cytogenetic location: 19q13.33.
Variant type: single nucleotide variant.
Coding change: c.4741G>A on transcript NM_001145809.2 (MANE Select); coding-DNA position 4741, G replaced by A.
Protein change: p.Val1581Ile; replaces valine 1581 with isoleucine.
Molecular consequence: missense variant.
Genome position (GRCh38, 1-based): chr19:50,286,683, G>A. VCF-style: chr19-50286683-G-A. GRCh37 (hg19) VCF-style: chr19-50789940-G-A.
Other names: p.Val1540Ile; c.4642G>A, p.Val1548Ile (NM_001077186.2); c.4618G>A, p.Val1540Ile (NM_024729.4); short protein forms V1581I, V1540I, V1548I.
Identifiers: ClinVar variation 44070 (VCV000044070.22), dbSNP rs680446, ClinGen allele CA133499.
Genomic context (GRCh38, chr19:50,286,683, plus strand): 5'-GAGCGGCAGAACCGGGCCCTGCGGGCTGAGCTGGAGGCACTGCTGAGCAGCAAGGATGAC[G>A]TCGGCAAGAGCGTGAGCAGGGCCCCCGCTCCCCGGGACACACTGGGTGAGGGGAGACACG-3'
Protein context (NP_001139281.1, residues 1571-1591): LEALLSSKDD[Val1581Ile]GKSVHELERA

ClinVar aggregate classification (germline): Benign. Review status: criteria provided, multiple submitters, no conflicts (2 of 4 stars). 7 submissions from 7 submitters: Benign (7). Last evaluated 2026-01-19.

Conditions:
Autosomal dominant nonsyndromic hearing loss 4A. Also called: Deafness, autosomal dominant 4A. Identifiers: Orphanet 90635, MedGen C1833503, MONDO:0010915, OMIM 600652.

Allele frequency attached by ClinVar (database versions not stated): gnomAD 0.01091 and 0.01027; 1000 Genomes Project 30x 0.01093; gnomAD exomes 0.00121 and 0.00256; ExAC 0.00467; ESP Exome Variant Server 0.00962; 1000 Genomes Project 0.01078; TOPMed 0.01090.
gnomAD v4.1: 3,311 of 1,573,118 alleles (0.21%); highest among the groups gnomAD compares: African/African-American, 3.6%; 54 homozygotes.

Submissions (7):

Labcorp Genetics (formerly Invitae), Labcorp
Classification: Benign. Last evaluated: 2026-01-19. Review status: criteria provided, single submitter. Criteria: Invitae Variant Classification Sherloc (09022015). Collection method: clinical testing. Allele origin: germline.

Mayo Clinic Laboratories, Mayo Clinic
Classification: Benign. Last evaluated: 2021-07-27. Review status: criteria provided, single submitter. Criteria: ACMG Guidelines, 2015. Collection method: clinical testing. Allele origin: germline. Observed: 8 variant alleles.
Comment: BS1, BS2

GeneDx
Classification: Benign. Last evaluated: 2018-07-06. Review status: criteria provided, single submitter. Criteria: GeneDx Variant Classification Process June 2021. Collection method: clinical testing. Allele origin: germline. Affected: yes.

Illumina Laboratory Services, Illumina
Classification: Benign for Autosomal dominant nonsyndromic hearing loss 4A. Last evaluated: 2018-01-12. Review status: criteria provided, single submitter. Criteria: ICSL Variant Classification Criteria 13 December 2019. Collection method: clinical testing. Allele origin: germline.
Comment: This variant was observed in the ICSL laboratory as part of a predisposition screen in an ostensibly healthy population. It had not been previously curated by ICSL or reported in the Human Gene Mutation Database (HGMD: prior to June 1st, 2018), and was therefore a candidate for classification through an automated scoring system. Utilizing variant allele frequency, disease prevalence and penetrance estimates, and inheritance mode, an automated score was calculated to assess if this variant is too frequent to cause the disease. Based on the score and internal cut-off values, a variant classified as benign is not then subjected to further curation. The score for this variant resulted in a classification of benign for this disease.

Laboratory for Molecular Medicine, Mass General Brigham Personalized Medicine
Classification: Benign. Last evaluated: 2012-05-07. Review status: criteria provided, single submitter. Criteria: LMM Criteria. Collection method: clinical testing. Allele origin: germline. Observed: 14 variant alleles.
Comment: Val1581Ile in Exon 34 of MYH14: This variant is not expected to have clinical si gnificance because it has been identified in 2.7% (96/3506) of African American chromosomes from a broad population by the NHLBI Exome Sequencing Project (dbSNP rs680446).

Breakthrough Genomics
Classification: Benign. Review status: criteria provided, single submitter. Criteria: ACMG Guidelines, 2015. Collection method: not provided. Allele origin: germline. Inheritance: Autosomal dominant inheritance. Affected: yes.

PreventionGenetics, part of Exact Sciences
Classification: Benign. Review status: criteria provided, single submitter. Criteria: ACMG Guidelines, 2015. Collection method: clinical testing. Allele origin: germline.